The following is an entry in ClinVar:

ClinVar aggregate classification (germline): Uncertain significance (1 of 4 stars; one submission).

gnomAD v4.1: 7 of 1,614,040 alleles (0.00043%); highest among the groups gnomAD compares: African/African-American, 0.0093%; no homozygotes.

Submission:

Labcorp Genetics (formerly Invitae), Labcorp
Classification: Uncertain significance. Last evaluated: 2025-08-13. Review status: criteria provided, single submitter. Criteria: Invitae Variant Classification Sherloc (09022015). Collection method: clinical testing. Allele origin: germline.
Comment: This sequence change replaces serine, which is neutral and polar, with tyrosine, which is neutral and polar, at codon 34 of the SLC7A13 protein (p.Ser34Tyr). This variant is present in population databases (rs144691522, gnomAD 0.01%). This variant has not been reported in the literature in individuals affected with SLC7A13-related conditions. An algorithm developed to predict the effect of missense changes on protein structure and function (PolyPhen-2) suggests that this variant is likely to be disruptive. In summary, the available evidence is currently insufficient to determine the role of this variant in disease. Therefore, it has been classified as a Variant of Uncertain Significance.

NM_138817.3(SLC7A13):c.101C>A (p.Ser34Tyr)

Gene: SLC7A13 (solute carrier family 7 member 13; minus strand). Cytogenetic location: 8q21.3.
Variant type: single nucleotide variant.
Coding change: c.101C>A on transcript NM_138817.3 (MANE Select); coding-DNA position 101, C replaced by A.
Protein change: p.Ser34Tyr; replaces serine 34 with tyrosine.
Molecular consequence: missense variant.
Genome position (GRCh38, 1-based): chr8:86,230,177, G>T on the plus strand (C>A on the coding strand, the complement: SLC7A13 is on the minus strand). VCF-style: chr8-86230177-G-T. GRCh37 (hg19) VCF-style: chr8-87242406-G-T.
Other names: short protein forms S34Y.
Identifiers: ClinVar variation 4716495 (VCV004716495.1).
Genomic context (GRCh38, chr8:86,230,177, plus strand): 5'-GCCCAAACGCACAGGGAGACTCCCACGTTCATGCAAGAGTATGCCAACACACCTTTGGGG[G>T]ACACAAAAATTCCTGCACCAATGATATTAATAAGCAAAAAACTTGTGCCCCACCAATATC-3'
Protein context (NP_620172.2, residues 24-44): INIIGAGIFV[Ser34Tyr]PKGVLAYSCM